The following is an entry in ClinVar:

NM_007347.5(AP4E1):c.442G>A (p.Val148Ile)

Gene: AP4E1 (adaptor related protein complex 4 subunit epsilon 1; plus strand). Cytogenetic location: 15q21.2.
Variant type: single nucleotide variant.
Coding change: c.442G>A on transcript NM_007347.5 (MANE Select); coding-DNA position 442, G replaced by A.
Protein change: p.Val148Ile; replaces valine 148 with isoleucine.
Molecular consequence: missense variant.
Genome position (GRCh38, 1-based): chr15:50,925,119, G>A. VCF-style: chr15-50925119-G-A. GRCh37 (hg19) VCF-style: chr15-51217316-G-A.
Other names: c.217G>A, p.Val73Ile (NM_001252127.2); short protein forms V73I, V148I.
Identifiers: ClinVar variation 1483404 (VCV001483404.6), dbSNP rs1368242720, ClinGen allele CA392415388.
Genomic context (GRCh38, chr15:50,925,119, plus strand): 5'-ATTTACACTAAATGTTTTCTTTGCTTAATGTTGTGCCAGGATCTGCAGAGCACTAACCTA[G>A]TAGAAGTGTGTATGGCACTGACTGTTGTTAGCCAGATTTTCCCCTGCGAAATGATTCCAG-3'
Protein context (NP_031373.2, residues 138-158): VVKDLQSTNL[Val148Ile]EVCMALTVVS

ClinVar aggregate classification (germline): Uncertain significance (1 of 4 stars; one submission).

Conditions:
Spastic paraplegia. Identifiers: MedGen C0037772, HP:0001258.

Allele frequency attached by ClinVar (database versions not stated): gnomAD exomes below 0.00001; TOPMed 0.00001.
gnomAD v4.1: 1 of 1,614,012 alleles (0.000062%); highest among the groups gnomAD compares: Non-Finnish European, 0.000085%; no homozygotes.

Submission:

Labcorp Genetics (formerly Invitae), Labcorp
Classification: Uncertain significance for Spastic paraplegia. Last evaluated: 2021-11-22. Review status: criteria provided, single submitter. Criteria: Invitae Variant Classification Sherloc (09022015). Collection method: clinical testing. Allele origin: germline.
Comment: In summary, the available evidence is currently insufficient to determine the role of this variant in disease. Therefore, it has been classified as a Variant of Uncertain Significance. Algorithms developed to predict the effect of missense changes on protein structure and function output the following: SIFT: "Tolerated"; PolyPhen-2: "Benign"; Align-GVGD: "Class C0". The isoleucine amino acid residue is found in multiple mammalian species, which suggests that this missense change does not adversely affect protein function. This variant has not been reported in the literature in individuals affected with AP4E1-related conditions. This variant is present in population databases (no rsID available, gnomAD no frequency). This sequence change replaces valine, which is neutral and non-polar, with isoleucine, which is neutral and non-polar, at codon 148 of the AP4E1 protein (p.Val148Ile).